The following is an entry in ClinVar:

NM_002055.5(GFAP):c.848A>G (p.Asn283Ser)

Gene: GFAP (glial fibrillary acidic protein; minus strand). Cytogenetic location: 17q21.31.
Variant type: single nucleotide variant.
Coding change: c.848A>G on transcript NM_002055.5 (MANE Select); coding-DNA position 848, A replaced by G.
Protein change: p.Asn283Ser; replaces asparagine 283 with serine.
Molecular consequence: missense variant.
Genome position (GRCh38, 1-based): chr17:44,911,730, T>C on the plus strand (A>G on the coding strand, the complement: GFAP is on the minus strand). VCF-style: chr17-44911730-T-C. GRCh37 (hg19) VCF-style: chr17-42989098-T-C.
Other names: c.848A>G, p.Asn283Ser (NM_001131019.3, NM_001242376.3, NM_001363846.2); short protein forms N283S.
Identifiers: ClinVar variation 323613 (VCV000323613.19), dbSNP rs201382676, ClinGen allele CA8608841.
Genomic context (GRCh38, chr17:44,911,730, plus strand): 5'-ACCGTGCCGCGCAGAGACTCCAGGTCGCAGGTCAAGGACTGCAACTGGCGCCGGTAGTCG[T>C]TGGCTTCGTGCTTGGCCTGGCGGAGCAGCTCCGCGTTGCGGGCAGCAGCGTCTGTCAGGT-3'
Protein context (NP_002046.1, residues 273-293): ELLRQAKHEA[Asn283Ser]DYRRQLQSLT

ClinVar aggregate classification (germline): Conflicting classifications of pathogenicity. Review status: criteria provided, conflicting classifications (1 of 4 stars). 5 submissions from 5 submitters: Uncertain significance (3); Likely benign (1). 1 of the submissions does not count toward it. Last evaluated 2026-04-13.

Conditions:
GFAP-related disorder. Also called: GFAP-related disorders; GFAP-related condition.

Allele frequency attached by ClinVar (database versions not stated): ESP Exome Variant Server 0.00008; gnomAD exomes 0.00010 and 0.00016; TOPMed 0.00011; ExAC 0.00013; 1000 Genomes Project 30x 0.00016; 1000 Genomes Project 0.00020; gnomAD 0.00007.
gnomAD v4.1: 237 of 1,614,024 alleles (0.015%); highest among the groups gnomAD compares: Non-Finnish European, 0.019%; no homozygotes.

Submissions (5):

Women's Health and Genetics/Laboratory Corporation of America, LabCorp
Classification: Uncertain significance. Last evaluated: 2026-04-13. Review status: criteria provided, single submitter. Criteria: LabCorp Variant Classification Summary - May 2015. Collection method: clinical testing. Allele origin: germline.
Comment: Variant summary: GFAP c.848A>G (p.Asn283Ser) results in a conservative amino acid change in the encoded protein sequence. Algorithms developed to predict the effect of missense changes on protein structure and function are either unavailable or do not agree on the potential impact of this missense change. The variant allele was found at a frequency of 9.6e-05 in 249566 control chromosomes. This frequency is not significantly higher than estimated for disease-causing variants in GFAP, allowing no conclusion about variant significance. To our knowledge, no occurrence of c.848A>G in individuals affected with GFAP-related conditions and no experimental evidence demonstrating its impact on protein function have been reported. ClinVar contains an entry for this variant (Variation ID: 323613). Based on the evidence outlined above, the variant was classified as uncertain significance.

CeGaT Center for Human Genetics Tuebingen
Classification: Uncertain significance. Last evaluated: 2025-08-01. Review status: criteria provided, single submitter. Criteria: CeGaT Center For Human Genetics Tuebingen Variant Classification Criteria Version 2. Collection method: clinical testing. Allele origin: germline. Affected: yes. Observed: 1 variant allele.

Labcorp Genetics (formerly Invitae), Labcorp
Classification: Uncertain significance. Last evaluated: 2025-06-19. Review status: criteria provided, single submitter. Criteria: Invitae Variant Classification Sherloc (09022015). Collection method: clinical testing. Allele origin: germline.
Comment: This sequence change replaces asparagine, which is neutral and polar, with serine, which is neutral and polar, at codon 283 of the GFAP protein (p.Asn283Ser). This variant is present in population databases (rs201382676, gnomAD 0.02%). This variant has not been reported in the literature in individuals affected with GFAP-related conditions. ClinVar contains an entry for this variant (Variation ID: 323613). An algorithm developed to predict the effect of missense changes on protein structure and function outputs the following: PolyPhen-2: "Benign". The serine amino acid residue is found in multiple mammalian species, which suggests that this missense change does not adversely affect protein function. In summary, the available evidence is currently insufficient to determine the role of this variant in disease. Therefore, it has been classified as a Variant of Uncertain Significance.

Athena Diagnostics
Classification: Likely benign. Last evaluated: 2020-11-24. Review status: criteria provided, single submitter. Criteria: Athena Diagnostics criteria. Collection method: clinical testing. Allele origin: unknown.

PreventionGenetics, part of Exact Sciences
Classification: Likely benign for GFAP-related condition. Last evaluated: 2024-08-05. Review status: no assertion criteria provided. Collection method: clinical testing. Allele origin: germline. Not counted in ClinVar's aggregate classification.
Comment: This variant is classified as likely benign based on ACMG/AMP sequence variant interpretation guidelines (Richards et al. 2015 PMID: 25741868, with internal and published modifications).